The following is an entry in ClinVar:

NM_012463.4(ATP6V0A2):c.2255C>T (p.Ser752Phe)

Gene: ATP6V0A2 (ATPase H+ transporting V0 subunit a2; plus strand). Cytogenetic location: 12q24.31.
Variant type: single nucleotide variant.
Coding change: c.2255C>T on transcript NM_012463.4 (MANE Select); coding-DNA position 2255, C replaced by T.
Protein change: p.Ser752Phe; replaces serine 752 with phenylalanine.
Molecular consequence: missense variant.
Genome position (GRCh38, 1-based): chr12:123,754,499, C>T. VCF-style: chr12-123754499-C-T. GRCh37 (hg19) VCF-style: chr12-124239046-C-T.
Other names: short protein forms S752F.
Identifiers: ClinVar variation 2910670 (VCV002910670.2), dbSNP rs1956745060, ClinGen allele CA387156316.

ClinVar aggregate classification (germline): Uncertain significance (1 of 4 stars; one submission).

Conditions:
ALG9 congenital disorder of glycosylation (CDG1L). Also called: CONGENITAL DISORDER OF GLYCOSYLATION, TYPE Il; CDG Il; ALG9-CDG. Identifiers: Orphanet 79328, MedGen C2931006, MONDO:0012117, OMIM 608776.

Allele frequency attached by ClinVar (database versions not stated): TOPMed below 0.00001; gnomAD 0.00001; gnomAD exomes 0.00001; 1000 Genomes Project 30x 0.00016.
gnomAD v4.1: 10 of 1,614,182 alleles (0.00062%); highest among the groups gnomAD compares: Non-Finnish European, 0.00085%; no homozygotes.

Submission:

Labcorp Genetics (formerly Invitae), Labcorp
Classification: Uncertain significance for ALG9 congenital disorder of glycosylation. Last evaluated: 2023-07-26. Review status: criteria provided, single submitter. Criteria: Invitae Variant Classification Sherloc (09022015). Collection method: clinical testing. Allele origin: germline.
Comment: This sequence change replaces serine, which is neutral and polar, with phenylalanine, which is neutral and non-polar, at codon 752 of the ATP6V0A2 protein (p.Ser752Phe). This variant is not present in population databases (gnomAD no frequency). This missense change has been observed in individuals with cutis laxa (PMID: 28294978; Invitae). Advanced modeling of protein sequence and biophysical properties (such as structural, functional, and spatial information, amino acid conservation, physicochemical variation, residue mobility, and thermodynamic stability) performed at Invitae indicates that this missense variant is expected to disrupt ATP6V0A2 protein function. In summary, the available evidence is currently insufficient to determine the role of this variant in disease. Therefore, it has been classified as a Variant of Uncertain Significance.

Literature cited by the submitters: PubMed 28294978.